The following is an entry in ClinVar:

NM_014750.5(DLGAP5):c.2064-1G>A

Gene: DLGAP5 (DLG associated protein 5; minus strand). Cytogenetic location: 14q22.3.
Variant type: single nucleotide variant.
Coding change: c.2064-1G>A on transcript NM_014750.5 (MANE Select); the canonical splice acceptor site of the intron before coding-DNA position 2064, G replaced by A.
Molecular consequence: splice acceptor variant.
Genome position (GRCh38, 1-based): chr14:55,152,648, C>T on the plus strand (G>A on the coding strand, the complement: DLGAP5 is on the minus strand). VCF-style: chr14-55152648-C-T. GRCh37 (hg19) VCF-style: chr14-55619366-C-T.
Other names: c.2064-1G>A (NM_001146015.2).
Identifiers: ClinVar variation 4884394 (VCV004884394.1).
Genomic context (GRCh38, chr14:55,152,648, plus strand): 5'-ACATGATTTTCTTCAATTAAATCTGGTAATCCAGGACACTGAGCATCTTCTATGCTGCTC[C>T]TAAAGAAGAAAAAAAGCAGCATTACACTCATAAACATATTGTTATTGTTTCACTTGTATT-3'

ClinVar aggregate classification (germline): Likely pathogenic (1 of 4 stars; one submission).

Conditions:
Inherited oocyte maturation defect (OOMD). Also called: Oocyte maturation defect; Oocyte/zygote/embryo maturation arrest. Identifiers: MedGen CN238505, MONDO:0014769.

Submission:

Department of Medical Genetics, JSS Medical College, Mysore
Classification: Likely pathogenic for Inherited oocyte maturation defect. Review status: criteria provided, single submitter. Criteria: ACMG Guidelines, 2015. Collection method: clinical testing. Allele origin: germline. Inheritance: Autosomal recessive inheritance. Affected: yes. Observed: 1 variant allele, 1 homozygote.
Comment: This variant is not observed in any individuals in gnomAD (v4.1) control population database. The aggregated result from in silico prediction tools is consistent in predicting that the variant may lead to potential alteration of splicing. Recently, two scientific publications have reported potential variants in DLGAP5 in four affected individuals with either ovarian maturation arrest (Qu R et al., 2025) or embryonic arrest related primary infertility (Meng Wang et al., 2025). Based on the above evidence and guidelines (Richards et al., 2015) by American College of Medical Genetics and Genomics (ACMG), this variant is classified as Likely Pathogenic (PVS1, PM2). Further functional studies are recommended to validate the pathogenicity. Please corelate clinically.

Literature cited by the submitters: PubMed 40639803.